The following is an entry in ClinVar:

ClinVar aggregate classification (germline): Likely benign. Review status: criteria provided, multiple submitters, no conflicts (2 of 4 stars). 2 submissions from 2 submitters: Likely benign (2). Last evaluated 2023-09-25.

Submissions (2):

Labcorp Genetics (formerly Invitae), Labcorp
Classification: Likely benign. Last evaluated: 2023-09-25. Review status: criteria provided, single submitter. Criteria: Invitae Variant Classification Sherloc (09022015). Collection method: clinical testing. Allele origin: germline.

GeneDx
Classification: Likely benign. Last evaluated: 2016-12-22. Review status: criteria provided, single submitter. Criteria: GeneDx Variant Classification (06012015). Collection method: clinical testing. Allele origin: germline. Affected: yes.
Comment: This variant is considered likely benign or benign based on one or more of the following criteria: it is a conservative change, it occurs at a poorly conserved position in the protein, it is predicted to be benign by multiple in silico algorithms, and/or has population frequency not consistent with disease.

NM_020778.5(ALPK3):c.2376T>A (p.Gly792=)

Gene: ALPK3 (alpha kinase 3; plus strand). Cytogenetic location: 15q25.3.
Variant type: single nucleotide variant.
Coding change: c.2376T>A on transcript NM_020778.5 (MANE Select); coding-DNA position 2376, T replaced by A.
Protein change: p.Gly792=; no amino-acid change (glycine 792 retained).
Molecular consequence: synonymous variant.
Genome position (GRCh38, 1-based): chr15:84,857,114, T>A. VCF-style: chr15-84857114-T-A. GRCh37 (hg19) VCF-style: chr15-85400345-T-A.
Identifiers: ClinVar variation 392086 (VCV000392086.4), dbSNP rs1057524352, ClinGen allele CA16606813.